The following is an entry in ClinVar:

NM_001007553.3(CSDE1):c.309+4A>G

Gene: CSDE1 (cold shock domain containing E1; minus strand). Cytogenetic location: 1p13.2.
Variant type: single nucleotide variant.
Coding change: c.309+4A>G on transcript NM_001007553.3 (MANE Select); 4 bases into the intron after coding-DNA position 309, A replaced by G.
Molecular consequence: intron variant.
Genome position (GRCh38, 1-based): chr1:114,737,959, T>C on the plus strand (A>G on the coding strand, the complement: CSDE1 is on the minus strand). VCF-style: chr1-114737959-T-C. GRCh37 (hg19) VCF-style: chr1-115280580-T-C.
Other names: c.309+4A>G (NM_001242893.2, NM_001242892.2, NM_007158.6); c.447+4A>G (NM_001130523.3, NM_001242891.2).
Identifiers: ClinVar variation 1331588 (VCV001331588.4), dbSNP rs1660494528, ClinGen allele CA1190301174.

ClinVar aggregate classification (germline): Uncertain significance (1 of 4 stars; one submission).

Allele frequency attached by ClinVar (database versions not stated): gnomAD exomes below 0.00001; TOPMed 0.00001.
gnomAD v4.1: 1 of 1,595,426 alleles (0.000063%); highest among the groups gnomAD compares: African/African-American, 0.0013%; no homozygotes.

Submission:

Greenwood Genetic Center Diagnostic Laboratories, Greenwood Genetic Center
Classification: Uncertain significance. Last evaluated: 2021-02-16. Review status: criteria provided, single submitter. Criteria: ACMG Guidelines, 2015. Collection method: clinical testing. Allele origin: germline. Affected: yes.
Comment: PP3, PM2